The following is an entry in ClinVar:

NM_007357.3(COG2):c.1040G>A (p.Ser347Asn)

Gene: COG2 (component of oligomeric golgi complex 2; plus strand). Cytogenetic location: 1q42.2.
Variant type: single nucleotide variant.
Coding change: c.1040G>A on transcript NM_007357.3 (MANE Select); coding-DNA position 1040, G replaced by A.
Protein change: p.Ser347Asn; replaces serine 347 with asparagine.
Molecular consequence: missense variant.
Genome position (GRCh38, 1-based): chr1:230,678,926, G>A. VCF-style: chr1-230678926-G-A. GRCh37 (hg19) VCF-style: chr1-230814672-G-A.
Other names: c.1040G>A, p.Ser347Asn (NM_001145036.2); short protein forms S347N.
Identifiers: ClinVar variation 2189629 (VCV002189629.4), dbSNP rs370562001, ClinGen allele CA1447651.
Genomic context (GRCh38, chr1:230,678,926, plus strand): 5'-CTAGTTAGTGTTCTAATAATGAAAATTTTCCTTTTGTTTTATTTTAGAAATATACCATAA[G>A]TATGGATTTTGTCAGAAGATTGGAACGGCAGTGTGGATCACAGGCTAGTGTAAAGAGATT-3'
Protein context (NP_031383.1, residues 337-357): PDAFHEKYTI[Ser347Asn]MDFVRRLERQ

ClinVar aggregate classification (germline): Uncertain significance (1 of 4 stars; one submission).

Conditions:
Congenital disorder of glycosylation, type IIq. Also called: CDG IIq. Identifiers: Orphanet 435934, MedGen C4479353, MONDO:0054559, OMIM 617395.

Allele frequency attached by ClinVar (database versions not stated): gnomAD 0.00001; gnomAD exomes 0.00001; TOPMed 0.00001; ExAC 0.00002; ESP Exome Variant Server 0.00008.
gnomAD v4.1: 8 of 1,612,158 alleles (0.0005%); highest among the groups gnomAD compares: Non-Finnish European, 0.00068%; no homozygotes.

Submission:

Labcorp Genetics (formerly Invitae), Labcorp
Classification: Uncertain significance for Congenital disorder of glycosylation, type IIq. Last evaluated: 2024-01-29. Review status: criteria provided, single submitter. Criteria: Invitae Variant Classification Sherloc (09022015). Collection method: clinical testing. Allele origin: germline.
Comment: This sequence change replaces serine, which is neutral and polar, with asparagine, which is neutral and polar, at codon 347 of the COG2 protein (p.Ser347Asn). This variant is present in population databases (rs370562001, gnomAD 0.003%). This variant has not been reported in the literature in individuals affected with COG2-related conditions. ClinVar contains an entry for this variant (Variation ID: 2189629). Advanced modeling of protein sequence and biophysical properties (such as structural, functional, and spatial information, amino acid conservation, physicochemical variation, residue mobility, and thermodynamic stability) performed at Invitae indicates that this missense variant is expected to disrupt COG2 protein function with a positive predictive value of 80%. In summary, the available evidence is currently insufficient to determine the role of this variant in disease. Therefore, it has been classified as a Variant of Uncertain Significance.